The following is an entry in ClinVar:

NM_199355.4(ADAMTS18):c.1609G>T (p.Val537Leu)

Gene: ADAMTS18 (ADAM metallopeptidase with thrombospondin type 1 motif 18; minus strand). Cytogenetic location: 16q23.1.
Variant type: single nucleotide variant.
Coding change: c.1609G>T on transcript NM_199355.4 (MANE Select); coding-DNA position 1609, G replaced by T.
Protein change: p.Val537Leu; replaces valine 537 with leucine.
Molecular consequence: missense variant.
Genome position (GRCh38, 1-based): chr16:77,353,738, C>A on the plus strand (G>T on the coding strand, the complement: ADAMTS18 is on the minus strand). VCF-style: chr16-77353738-C-A. GRCh37 (hg19) VCF-style: chr16-77387635-C-A.
Other names: c.1093G>T, p.Val365Leu (NM_001326358.2); short protein forms V365L, V537L.
Identifiers: ClinVar variation 1356131 (VCV001356131.6), dbSNP rs749454124, ClinGen allele CA396834355.

ClinVar aggregate classification (germline): Uncertain significance (1 of 4 stars; one submission).

Submission:

Labcorp Genetics (formerly Invitae), Labcorp
Classification: Uncertain significance. Last evaluated: 2020-12-13. Review status: criteria provided, single submitter. Criteria: Invitae Variant Classification Sherloc (09022015). Collection method: clinical testing. Allele origin: germline.
Comment: This variant is not present in population databases (ExAC no frequency). In summary, the available evidence is currently insufficient to determine the role of this variant in disease. Therefore, it has been classified as a Variant of Uncertain Significance. Algorithms developed to predict the effect of missense changes on protein structure and function output the following: SIFT: "Not Available"; PolyPhen-2: "Benign"; Align-GVGD: "Not Available". The leucine amino acid residue is found in multiple mammalian species, suggesting that this missense change does not adversely affect protein function. These predictions have not been confirmed by published functional studies and their clinical significance is uncertain. This variant has not been reported in the literature in individuals with ADAMTS18-related conditions. This sequence change replaces valine with leucine at codon 537 of the ADAMTS18 protein (p.Val537Leu). The valine residue is moderately conserved and there is a small physicochemical difference between valine and leucine.